The following is an entry in ClinVar:

ClinVar aggregate classification (germline): Uncertain significance (1 of 4 stars; one submission).

Submission:

Labcorp Genetics (formerly Invitae), Labcorp
Classification: Uncertain significance. Last evaluated: 2024-06-18. Review status: criteria provided, single submitter. Criteria: Invitae Variant Classification Sherloc (09022015). Collection method: clinical testing. Allele origin: germline.
Comment: This sequence change replaces leucine, which is neutral and non-polar, with glutamine, which is neutral and polar, at codon 2219 of the POLE protein (p.Leu2219Gln). This variant is not present in population databases (gnomAD no frequency). This variant has not been reported in the literature in individuals affected with POLE-related conditions. An algorithm developed to predict the effect of missense changes on protein structure and function (PolyPhen-2) suggests that this variant is likely to be tolerated. In summary, the available evidence is currently insufficient to determine the role of this variant in disease. Therefore, it has been classified as a Variant of Uncertain Significance.

NM_006231.4(POLE):c.6656T>A (p.Leu2219Gln)

Gene: POLE (DNA polymerase epsilon, catalytic subunit; minus strand). Cytogenetic location: 12q24.33.
Variant type: single nucleotide variant.
Coding change: c.6656T>A on transcript NM_006231.4 (MANE Select); coding-DNA position 6656, T replaced by A.
Protein change: p.Leu2219Gln; replaces leucine 2219 with glutamine.
Molecular consequence: missense variant.
Genome position (GRCh38, 1-based): chr12:132,625,646, A>T on the plus strand (T>A on the coding strand, the complement: POLE is on the minus strand). VCF-style: chr12-132625646-A-T. GRCh37 (hg19) VCF-style: chr12-133202232-A-T.
Other names: short protein forms L2219Q.
Identifiers: ClinVar variation 3656955 (VCV003656955.2).